The following is an entry in ClinVar:

NM_004371.4(COPA):c.2794C>G (p.Leu932Val)

Gene: COPA (coat protein complex I subunit alpha; minus strand). Cytogenetic location: 1q23.2.
Variant type: single nucleotide variant.
Coding change: c.2794C>G on transcript NM_004371.4 (MANE Select); coding-DNA position 2794, C replaced by G.
Protein change: p.Leu932Val; replaces leucine 932 with valine.
Molecular consequence: missense variant.
Genome position (GRCh38, 1-based): chr1:160,293,195, G>C on the plus strand (C>G on the coding strand, the complement: COPA is on the minus strand). VCF-style: chr1-160293195-G-C. GRCh37 (hg19) VCF-style: chr1-160262985-G-C.
Other names: c.2821C>G, p.Leu941Val (NM_001098398.2); short protein forms L932V, L941V.
Identifiers: ClinVar variation 2964744 (VCV002964744.3), dbSNP rs2525352567, ClinGen allele CA343274802.

ClinVar aggregate classification (germline): Uncertain significance (1 of 4 stars; one submission).

Conditions:
Autoimmune interstitial lung disease-arthritis syndrome. Also called: Autoinflammation and autoimmunity, systemic, with immune dysregulation. Identifiers: Orphanet 444092, MedGen C5975714, MONDO:0014629.

Allele frequency attached by ClinVar (database versions not stated): gnomAD exomes below 0.00001.
gnomAD v4.1: 2 of 1,614,200 alleles (0.00012%); highest among the groups gnomAD compares: Non-Finnish European, 0.00017%; no homozygotes.

Submission:

Labcorp Genetics (formerly Invitae), Labcorp
Classification: Uncertain significance for Autoimmune interstitial lung disease-arthritis syndrome. Last evaluated: 2023-01-15. Review status: criteria provided, single submitter. Criteria: Invitae Variant Classification Sherloc (09022015). Collection method: clinical testing. Allele origin: germline.
Comment: In summary, the available evidence is currently insufficient to determine the role of this variant in disease. Therefore, it has been classified as a Variant of Uncertain Significance. Advanced modeling of protein sequence and biophysical properties (such as structural, functional, and spatial information, amino acid conservation, physicochemical variation, residue mobility, and thermodynamic stability) performed at Invitae indicates that this missense variant is not expected to disrupt COPA protein function. This variant has not been reported in the literature in individuals affected with COPA-related conditions. This variant is not present in population databases (gnomAD no frequency). This sequence change replaces leucine, which is neutral and non-polar, with valine, which is neutral and non-polar, at codon 932 of the COPA protein (p.Leu932Val).